The following is an entry in ClinVar:

ClinVar aggregate classification (germline): Uncertain significance (1 of 4 stars; one submission).

Conditions:
Griscelli syndrome type 2 (GS2). Also called: PARTIAL ALBINISM AND IMMUNODEFICIENCY SYNDROME; GRISCELLI SYNDROME WITH HEMOPHAGOCYTIC SYNDROME; PAID SYNDROME. Identifiers: Orphanet 381, Orphanet 79477, MedGen C1868679, MONDO:0011872, OMIM 607624.

Submission:

Labcorp Genetics (formerly Invitae), Labcorp
Classification: Uncertain significance for Griscelli syndrome type 2. Last evaluated: 2024-02-17. Review status: criteria provided, single submitter. Criteria: Invitae Variant Classification Sherloc (09022015). Collection method: clinical testing. Allele origin: germline.
Comment: This sequence change replaces alanine, which is neutral and non-polar, with proline, which is neutral and non-polar, at codon 61 of the RAB27A protein (p.Ala61Pro). This variant is not present in population databases (gnomAD no frequency). This variant has not been reported in the literature in individuals affected with RAB27A-related conditions. ClinVar contains an entry for this variant (Variation ID: 1971904). Advanced modeling of protein sequence and biophysical properties (such as structural, functional, and spatial information, amino acid conservation, physicochemical variation, residue mobility, and thermodynamic stability) performed at Invitae indicates that this missense variant is not expected to disrupt RAB27A protein function with a negative predictive value of 95%. In summary, the available evidence is currently insufficient to determine the role of this variant in disease. Therefore, it has been classified as a Variant of Uncertain Significance.

NM_183235.3(RAB27A):c.181G>C (p.Ala61Pro)

Gene: RAB27A (RAB27A, member RAS oncogene family; minus strand). Cytogenetic location: 15q21.3.
Variant type: single nucleotide variant.
Coding change: c.181G>C on transcript NM_183235.3 (MANE Select); coding-DNA position 181, G replaced by C.
Protein change: p.Ala61Pro; replaces alanine 61 with proline.
Molecular consequence: missense variant.
Genome position (GRCh38, 1-based): chr15:55,230,459, C>G on the plus strand (G>C on the coding strand, the complement: RAB27A is on the minus strand). VCF-style: chr15-55230459-C-G. GRCh37 (hg19) VCF-style: chr15-55522657-C-G.
Other names: c.181G>C, p.Ala61Pro (NM_004580.5, NM_183234.3, NM_183236.3); short protein forms A61P.
Identifiers: ClinVar variation 1971904 (VCV001971904.5), dbSNP rs2542789220, ClinGen allele CA392530682.
Genomic context (GRCh38, chr15:55,230,459, plus strand): 5'-ACCTCTCCTGCCCTGCTGTGTCCCATAACTGCAGGTGGATTCTCTGGCCTCTGCCAGTGG[C>G]TCCATCCGGCCCACTGGCTCTGTACACCTAAAACAGCAAAGTGAAAGAGAAAACAAAAGA-3'
Protein context (NP_899058.1, residues 51-71): VVYRASGPDG[Ala61Pro]TGRGQRIHLQ